The following is an entry in ClinVar:

NM_007294.4(BRCA1):c.5392T>A (p.Phe1798Ile)

Gene: BRCA1 (BRCA1 DNA repair associated; minus strand). Cytogenetic location: 17q21.31.
Variant type: single nucleotide variant.
Coding change: c.5392T>A on transcript NM_007294.4 (MANE Select); coding-DNA position 5392, T replaced by A.
Protein change: p.Phe1798Ile; replaces phenylalanine 1798 with isoleucine.
Molecular consequence: missense variant. On other transcripts: non-coding transcript variant (1), intron variant (1).
Genome position (GRCh38, 1-based): chr17:43,049,135, A>T on the plus strand (T>A on the coding strand, the complement: BRCA1 is on the minus strand). VCF-style: chr17-43049135-A-T. GRCh37 (hg19) VCF-style: chr17-41201152-A-T.
Other names: c.5179T>A, p.Phe1727Ile (NM_001407571.1, NM_001407898.1, NM_001407899.1 and 12 more transcripts); c.5458T>A, p.Phe1820Ile (NM_001407581.1, NM_001407582.1); c.5455T>A, p.Phe1819Ile (NM_001407583.1, NM_001407585.1, NM_001407587.1 and 1 more transcripts); c.5452T>A, p.Phe1818Ile (NM_001407590.1, NM_001407591.1); c.5392T>A, p.Phe1798Ile (NM_001407593.1, NM_001407594.1, NM_001407596.1 and 5 more transcripts); c.5389T>A, p.Phe1797Ile (NM_001407610.1, NM_001407621.1, NM_001407622.1 and 14 more transcripts); c.5386T>A, p.Phe1796Ile (NM_001407627.1, NM_001407628.1, NM_001407629.1 and 13 more transcripts); c.5383T>A, p.Phe1795Ile (NM_001407644.1, NM_001407645.1); and 73 more; short protein forms F1819I, F1751I, F1798I, F694I, F1501I, F1629I, F1710I, F1729I.
Identifiers: ClinVar variation 865692 (VCV000865692.4), dbSNP rs2051076501, ClinGen allele CA10590694.

ClinVar aggregate classification (germline): Likely benign (1 of 4 stars; one submission).

Submissions (2):

Center for Genomic Medicine, Rigshospitalet, Copenhagen University Hospital
Classification: Likely benign. Last evaluated: 2025-03-04. Review status: criteria provided, single submitter. Criteria: ACMG Guidelines, 2015. Collection method: clinical testing. Allele origin: germline.

Brotman Baty Institute, University of Washington
No classification provided (evidence only). Condition: Breast-ovarian cancer, familial 1. Review status: no classification provided. Collection method: in vitro. Allele origin: not applicable. Functional consequence: functionally_normal. Not counted in ClinVar's aggregate classification.
ClinVar note: "not provided" was previously submitted as the classification for the variant. However, the classification appeared to be based only on an observation of functional data so it was converted to no classification on 2025-07-30.